The following is an entry in ClinVar:

NM_017934.7(PHIP):c.5373G>A (p.Leu1791=)

Genes: IRAK1BP1 (interleukin 1 receptor associated kinase 1 binding protein 1; plus strand), PHIP (PHIP subunit of CUL4-Ring ligase complex; minus strand). Cytogenetic location: 6q14.1.
Variant type: single nucleotide variant.
Coding change: c.5373G>A on transcript NM_017934.7 (MANE Select); coding-DNA position 5373, G replaced by A.
Protein change: p.Leu1791=; no amino-acid change (leucine 1791 retained).
Molecular consequence: synonymous variant.
Genome position (GRCh38, 1-based): chr6:78,940,786, C>T on the plus strand (G>A on the coding strand, the complement: PHIP is on the minus strand). VCF-style: chr6-78940786-C-T. GRCh37 (hg19) VCF-style: chr6-79650503-C-T.
Other names: c.5373G>A (NM_017934.6).
Identifiers: ClinVar variation 2835619 (VCV002835619.4), dbSNP rs781312778, ClinGen allele CA3899275.
Genomic context (GRCh38, chr6:78,940,786, plus strand): 5'-AGTCAACTTTCGGACTCGTCCTCTACTAGAAGTTCCAAAAGTTAAAGAGGTGTCTTCGAA[C>T]AACAGCTGCCTTTGCTCCTCTTCAGAGTCATCCTCATTATAGAAAGCTGTCCTTCGACCT-3'
Protein context (NP_060404.4, residues 1781-1801): DDSEEEQRQL[Leu1791=]FEDTSLTFGT

ClinVar aggregate classification (germline): Likely benign. Review status: criteria provided, single submitter (1 of 4 stars). 2 submissions from 2 submitters: Likely benign (1). 1 of the submissions does not count toward it. Last evaluated 2023-09-06.

Conditions:
PHIP-related disorder. Also called: PHIP-related condition; PHIP-related disorders.

Allele frequency attached by ClinVar (database versions not stated): ExAC 0.00001; gnomAD 0.00001; TOPMed 0.00001.
gnomAD v4.1: 6 of 1,613,742 alleles (0.00037%); highest among the groups gnomAD compares: Middle Eastern, 0.016%; no homozygotes.

Submissions (2):

Labcorp Genetics (formerly Invitae), Labcorp
Classification: Likely benign. Last evaluated: 2023-09-06. Review status: criteria provided, single submitter. Criteria: Invitae Variant Classification Sherloc (09022015). Collection method: clinical testing. Allele origin: germline.

PreventionGenetics, part of Exact Sciences
Classification: Likely benign for PHIP-related condition. Last evaluated: 2021-08-31. Review status: no assertion criteria provided. Collection method: clinical testing. Allele origin: germline. Not counted in ClinVar's aggregate classification.
Comment: This variant is classified as likely benign based on ACMG/AMP sequence variant interpretation guidelines (Richards et al. 2015 PMID: 25741868, with internal and published modifications).